The following is an entry in ClinVar:

NM_000827.4(GRIA1):c.2385+823G>A

Gene: GRIA1 (glutamate ionotropic receptor AMPA type subunit 1; plus strand). Cytogenetic location: 5q33.2.
Variant type: single nucleotide variant.
Coding change: c.2385+823G>A on transcript NM_000827.4 (MANE Select); 823 bases into the intron after coding-DNA position 2385, G replaced by A.
Molecular consequence: intron variant. On other transcripts: missense variant (5), non-coding transcript variant (1).
Genome position (GRCh38, 1-based): chr5:153,795,558, G>A. VCF-style: chr5-153795558-G-A. GRCh37 (hg19) VCF-style: chr5-153175118-G-A.
Other names: c.2353G>A, p.Gly785Arg (NM_001114183.2); c.2068G>A, p.Gly690Arg (NM_001258020.2); c.2383G>A, p.Gly795Arg (NM_001258022.2); c.2380G>A, p.Gly794Arg (NM_001364166.2); c.2146G>A, p.Gly716Arg (NM_001364167.2); c.2217+823G>A (NM_001364165.2); c.2145+823G>A (NM_001258019.2); c.2178+823G>A (NM_001258023.1); and 1 more; short protein forms G690R, G716R, G785R, G794R, G795R.
Identifiers: ClinVar variation 5018062 (VCV005018062.1).

ClinVar aggregate classification (germline): Uncertain significance (1 of 4 stars; one submission).

Submission:

GeneDx
Classification: Uncertain significance. Last evaluated: 2026-04-03. Review status: criteria provided, single submitter. Criteria: GeneDx Variant Classification Process June 2021. Collection method: clinical testing. Allele origin: germline.
Comment: Not observed at significant frequency in large population cohorts (gnomAD); In silico analysis supports that this missense variant has a deleterious effect on protein structure/function; Has not been previously published as pathogenic or benign to our knowledge